The following is an entry in ClinVar:

ClinVar aggregate classification (germline): Uncertain significance (1 of 4 stars; one submission).

Conditions:
Obesity, hyperphagia, and developmental delay (OBHD). Identifiers: Orphanet 99704, MedGen C3151303, MONDO:0013483, OMIM 613886.

Submission:

Institute of Human Genetics, University of Leipzig Medical Center
Classification: Uncertain significance for Obesity, hyperphagia, and developmental delay. Last evaluated: 2024-02-13. Review status: criteria provided, single submitter. Criteria: ACMG Guidelines, 2015. Collection method: clinical testing. Allele origin: de novo. Inheritance: Autosomal dominant inheritance. Affected: yes. Observed: 1 variant allele.
Comment: Criteria applied: PS2_Mod, PP2

NM_006180.6(NTRK2):c.986A>G (p.Tyr329Cys)

Gene: NTRK2 (neurotrophic receptor tyrosine kinase 2; plus strand). Cytogenetic location: 9q21.33.
Variant type: single nucleotide variant.
Coding change: c.986A>G on transcript NM_006180.6 (MANE Select); coding-DNA position 986, A replaced by G.
Protein change: p.Tyr329Cys; replaces tyrosine 329 with cysteine.
Molecular consequence: missense variant.
Genome position (GRCh38, 1-based): chr9:84,727,786, A>G. VCF-style: chr9-84727786-A-G. GRCh37 (hg19) VCF-style: chr9-87342701-A-G.
Other names: c.986A>G, p.Tyr329Cys (NM_001007097.3, NM_001018064.3, NM_001018065.2 and 17 more transcripts); c.947A>G, p.Tyr316Cys (NM_001291937.2, NM_001369546.1); c.518A>G, p.Tyr173Cys (NM_001369535.1, NM_001369536.1, NM_001369550.1 and 2 more transcripts); short protein forms Y173C, Y316C, Y329C.
Identifiers: ClinVar variation 3068729 (VCV003068729.1), dbSNP rs2492231407, ClinGen allele CA374008619.